The following is an entry in ClinVar:

NM_018699.4(PRDM5):c.1121A>G (p.Lys374Arg)

Gene: PRDM5 (PR/SET domain 5; minus strand). Cytogenetic location: 4q27.
Variant type: single nucleotide variant.
Coding change: c.1121A>G on transcript NM_018699.4 (MANE Select); coding-DNA position 1121, A replaced by G.
Protein change: p.Lys374Arg; replaces lysine 374 with arginine.
Molecular consequence: missense variant.
Genome position (GRCh38, 1-based): chr4:120,798,334, T>C on the plus strand (A>G on the coding strand, the complement: PRDM5 is on the minus strand). VCF-style: chr4-120798334-T-C. GRCh37 (hg19) VCF-style: chr4-121719489-T-C.
Other names: c.1028A>G, p.Lys343Arg (NM_001300823.2, NM_001300824.2, NM_001379106.1); c.1154A>G, p.Lys385Arg (NM_001379104.1); short protein forms K385R, K374R, K343R.
Identifiers: ClinVar variation 1797835 (VCV001797835.2), dbSNP rs755729936, ClinGen allele CA3061148.

ClinVar aggregate classification (germline): Uncertain significance (1 of 4 stars; one submission).

Conditions:
Cardiovascular phenotype. Identifiers: MedGen CN230736.

Allele frequency attached by ClinVar (database versions not stated): gnomAD exomes 0.00001; ExAC 0.00002.
gnomAD v4.1: 11 of 1,613,086 alleles (0.00068%); highest among the groups gnomAD compares: South Asian, 0.012%; no homozygotes.

Submission:

Ambry Genetics
Classification: Uncertain significance for Cardiovascular phenotype. Last evaluated: 2019-08-01. Review status: criteria provided, single submitter. Criteria: Ambry Variant Classification Scheme 2023. Collection method: clinical testing. Allele origin: germline.
Comment: The p.K374R variant (also known as c.1121A>G), located in coding exon 10 of the PRDM5 gene, results from an A to G substitution at nucleotide position 1121. The lysine at codon 374 is replaced by arginine, an amino acid with highly similar properties. This amino acid position is highly conserved in available vertebrate species. In addition, this alteration is predicted to be tolerated by in silico analysis. Since supporting evidence is limited at this time, the clinical significance of this alteration remains unclear.